The following is an entry in ClinVar:

NM_005562.3(LAMC2):c.1179C>A (p.Cys393Ter)

Gene: LAMC2 (laminin subunit gamma 2; plus strand). Cytogenetic location: 1q25.3.
Variant type: single nucleotide variant.
Coding change: c.1179C>A on transcript NM_005562.3 (MANE Select); coding-DNA position 1179, C replaced by A.
Protein change: p.Cys393Ter; replaces cysteine 393 with a stop codon.
Molecular consequence: nonsense.
Genome position (GRCh38, 1-based): chr1:183,226,810, C>A. VCF-style: chr1-183226810-C-A. GRCh37 (hg19) VCF-style: chr1-183195945-C-A.
Other names: c.1179C>A, p.Cys393Ter (NM_018891.3); short protein forms C393*.
Identifiers: ClinVar variation 984227 (VCV000984227.3), dbSNP rs1659640091, ClinGen allele CA343686345.

ClinVar aggregate classification (germline): Likely pathogenic (1 of 4 stars; one submission).

Conditions:
Junctional epidermolysis bullosa gravis of Herlitz. Also called: Herlitz-type junctional epidermolysis bullosa; Epidermolysis Bullosa Letalis; EPIDERMOLYSIS BULLOSA, JUNCTIONAL 1B, SEVERE; EPIDERMOLYSIS BULLOSA JUNCTIONALIS, HERLITZ TYPE; EPIDERMOLYSIS BULLOSA, JUNCTIONAL, HERLITZ-PEARSON TYPE; JEB-HERLITZ TYPE. Identifiers: Orphanet 79404, MedGen C0079683, MONDO:0009182, OMIM 226700.

Submission:

Myriad Genetics, Inc.
Classification: Likely pathogenic for Junctional epidermolysis bullosa gravis of Herlitz. Last evaluated: 2020-03-03. Review status: criteria provided, single submitter. Criteria: Myriad Women's Health Autosomal Recessive and X-Linked Classification Criteria (2019). Collection method: clinical testing. Allele origin: unknown.
Comment: NM_005562.2(LAMC2):c.1179C>A(C393*) is expected to be pathogenic in the context of junctional epidermolysis bullosa, LAMC2-related. This variant is predicted to lead to an abnormal or absent protein product due to the creation of a premature termination codon in LAMC2, a gene where loss-of-function variants are known to be pathogenic. Please note: this variant was assessed in the context of healthy population screening.